The following is an entry in ClinVar:

NM_013352.4(DSE):c.-53-232T>A

Gene: DSE (dermatan sulfate epimerase; plus strand). Cytogenetic location: 6q22.1.
Variant type: single nucleotide variant.
Coding change: c.-53-232T>A on transcript NM_013352.4 (MANE Select); 232 bases into the intron before 53 bases upstream of the start codon, T replaced by A.
Molecular consequence: intron variant.
Genome position (GRCh38, 1-based): chr6:116,398,966, T>A. VCF-style: chr6-116398966-T-A. GRCh37 (hg19) VCF-style: chr6-116720129-T-A.
Other names: c.-53-232T>A (NM_001322937.2, NM_001322938.2, NM_001080976.3 and 2 more transcripts); c.-610-232T>A (NM_001322940.2, NM_001322941.2); c.5-232T>A (NM_001322939.2).
Identifiers: ClinVar variation 683469 (VCV000683469.1), dbSNP rs1557547, ClinGen allele CA146391146.

ClinVar aggregate classification (germline): Benign (1 of 4 stars; one submission).

Allele frequency attached by ClinVar (database versions not stated): 1000 Genomes Project 0.61821; 1000 Genomes Project 30x 0.62680; gnomAD 0.70872 and 0.71572; TOPMed 0.71096.
gnomAD v4.1: 107,617 of 152,112 alleles (71%); highest among the groups gnomAD compares: Admixed American, 77%; 38,457 homozygotes.

Submission:

GeneDx
Classification: Benign. Last evaluated: 2018-06-19. Review status: criteria provided, single submitter. Criteria: GeneDx Variant Classification (06012015). Collection method: clinical testing. Allele origin: germline. Affected: yes.
Comment: This variant is considered likely benign or benign based on one or more of the following criteria: it is a conservative change, it occurs at a poorly conserved position in the protein, it is predicted to be benign by multiple in silico algorithms, and/or has population frequency not consistent with disease.